The following is an entry in ClinVar:

ClinVar aggregate classification (germline): Likely benign (1 of 4 stars; one submission).

Conditions:
ANKS6-related disorder. Also called: ANKS6-related condition.

Submission:

PreventionGenetics, part of Exact Sciences
Classification: Likely benign for ANKS6-related condition. Last evaluated: 2026-05-21. Review status: criteria provided, single submitter. Criteria: ACMG Guidelines, 2015. Collection method: clinical testing. Allele origin: germline.
Comment: This variant is classified as likely benign based on ACMG/AMP sequence variant interpretation guidelines (Richards et al. 2015 PMID: 25741868, with internal and published modifications).

NM_173551.5(ANKS6):c.1953G>A (p.Gly651=)

Genes: ANKS6 (ankyrin repeat and sterile alpha motif domain containing 6; minus strand), LOC124310614 (Sharpr-MPRA regulatory region 9654; plus strand). Cytogenetic location: 9q22.33.
Variant type: single nucleotide variant.
Coding change: c.1953G>A on transcript NM_173551.5 (MANE Select); coding-DNA position 1953, G replaced by A.
Protein change: p.Gly651=; no amino-acid change (glycine 651 retained).
Molecular consequence: synonymous variant.
Genome position (GRCh38, 1-based): chr9:98,770,915, C>T on the plus strand (G>A on the coding strand, the complement: ANKS6 is on the minus strand). VCF-style: chr9-98770915-C-T. GRCh37 (hg19) VCF-style: chr9-101533197-C-T.
Identifiers: ClinVar variation 4996117 (VCV004996117.1).
Genomic context (GRCh38, chr9:98,770,915, plus strand): 5'-GATCACCCCACCTCCCTGAGTGGCCCTGCCCAGCTACTCACCTGAGCGGTTAAGCAGCTC[C>T]CCACCGTGCCGGCTCACACCTACCCCACTGGAGCCGCCCGATGAATGAGGCGAGTGGTTG-3'
Protein context (NP_775822.3, residues 641-661): SSGVGVSRHG[Gly651=]ELLNRSGGSI